The following is an entry in ClinVar:

NM_015202.5(KATNIP):c.4566C>T (p.Asp1522=)

Gene: KATNIP (katanin interacting protein; plus strand). Cytogenetic location: 16p12.1.
Variant type: single nucleotide variant.
Coding change: c.4566C>T on transcript NM_015202.5 (MANE Select); coding-DNA position 4566, C replaced by T.
Protein change: p.Asp1522=; no amino-acid change (aspartic acid 1522 retained).
Molecular consequence: synonymous variant.
Genome position (GRCh38, 1-based): chr16:27,777,624, C>T. VCF-style: chr16-27777624-C-T. GRCh37 (hg19) VCF-style: chr16-27788945-C-T.
Identifiers: ClinVar variation 3351905 (VCV003351905.1).
Genomic context (GRCh38, chr16:27,777,624, plus strand): 5'-GGGAGGGACGAGGGGGACCCATGAGTCCTGCCCCGTGTCCCTGCAGCTCCTGGTGGACGA[C>T]CTGCTTGTGTACAATGGGATCCTGGCCATGGTGAGCCACCTGGTGGGGGGCATCCTGCCC-3'
Protein context (NP_056017.4, residues 1512-1532): GVKEFGLLVD[Asp1522=]LLVYNGILAM

ClinVar aggregate classification (germline): Likely benign (0 of 4 stars; one submission).

Conditions:
KATNIP-related disorder. Also called: KATNIP-related condition.

gnomAD v4.1: 12 of 1,610,874 alleles (0.00074%); highest among the groups gnomAD compares: South Asian, 0.012%; no homozygotes.

Submission:

PreventionGenetics, part of Exact Sciences
Classification: Likely benign for KATNIP-related condition. Last evaluated: 2019-06-27. Review status: no assertion criteria provided. Collection method: clinical testing. Allele origin: germline.
Comment: This variant is classified as likely benign based on ACMG/AMP sequence variant interpretation guidelines (Richards et al. 2015 PMID: 25741868, with internal and published modifications).